The following is an entry in ClinVar:

ClinVar aggregate classification (germline): Uncertain significance (1 of 4 stars; one submission).

Submission:

Ambry Genetics
Classification: Uncertain significance. Last evaluated: 2024-03-30. Review status: criteria provided, single submitter. Criteria: Ambry Variant Classification Scheme 2023. Collection method: clinical testing. Allele origin: germline.
Comment: The p.D424E variant (also known as c.1272C>A), located in coding exon 7 of the GALNT12 gene, results from a C to A substitution at nucleotide position 1272. The aspartic acid at codon 424 is replaced by glutamic acid, an amino acid with highly similar properties. This amino acid position is conserved. In addition, this alteration is predicted to be tolerated by in silico analysis. Based on the available evidence, the clinical significance of this alteration remains unclear.

NM_024642.5(GALNT12):c.1272C>A (p.Asp424Glu)

Gene: GALNT12 (polypeptide N-acetylgalactosaminyltransferase 12; plus strand). Cytogenetic location: 9q22.33.
Variant type: single nucleotide variant.
Coding change: c.1272C>A on transcript NM_024642.5 (MANE Select); coding-DNA position 1272, C replaced by A.
Protein change: p.Asp424Glu; replaces aspartic acid 424 with glutamic acid.
Molecular consequence: missense variant.
Genome position (GRCh38, 1-based): chr9:98,840,061, C>A. VCF-style: chr9-98840061-C-A. GRCh37 (hg19) VCF-style: chr9-101602343-C-A.
Other names: short protein forms D424E.
Identifiers: ClinVar variation 3280566 (VCV003280566.1).